The following is an entry in ClinVar:

NM_006017.3(PROM1):c.1645_1648del (p.Lys549fs)

Gene: PROM1 (prominin 1; minus strand). Cytogenetic location: 4p15.32.
Variant type: Deletion.
Coding change: c.1645_1648del on transcript NM_006017.3 (MANE Select); coding-DNA positions 1645 to 1648, 4 bases deleted (AAAT; older notation c.1645_1648delAAAT).
Protein change: p.Lys549fs; shifts the reading frame from lysine 549.
Molecular consequence: frameshift variant.
Genome position (GRCh38, 1-based): chr4:15,998,419-15,998,422, ATTT deleted on the plus strand (AAAT on the coding strand, the reverse complement: PROM1 is on the minus strand); deleting any 4 consecutive bases within chr4:15,998,419-15,998,425 gives the same sequence; the c. name uses the placement nearest the transcript's 3' end. VCF-style (leftmost placement, unchanged base first): chr4-15998418-GATTT-G. GRCh37 (hg19) VCF-style: chr4-16000041-GATTT-G.
Other names: c.1618_1621del, p.Lys540fs (NM_001145847.2, NM_001145848.2, NM_001145851.2 and 4 more transcripts); c.1645_1648del, p.Lys549fs (NM_001145849.2, NM_001145850.2); short protein forms K540fs, K549fs.
Identifiers: ClinVar variation 1458832 (VCV001458832.8), dbSNP rs1722855407, ClinGen allele CA1440908257.

ClinVar aggregate classification (germline): Pathogenic. Review status: criteria provided, multiple submitters, no conflicts (2 of 4 stars). 3 submissions from 3 submitters: Pathogenic (3). Last evaluated 2025-11-24.

Conditions:
Retinal dystrophy. Also called: Inherited retinal dystrophy. Identifiers: Orphanet 71862, MedGen C0854723, MeSH D058499, MONDO:0019118, HP:0000556.
PROM1-related disorder. Also called: PROM1-related disorders; PROM1-related condition.

Submissions (3):

Labcorp Genetics (formerly Invitae), Labcorp
Classification: Pathogenic. Last evaluated: 2025-11-24. Review status: criteria provided, single submitter. Criteria: Invitae Variant Classification Sherloc (09022015). Collection method: clinical testing. Allele origin: germline.
Comment: This sequence change creates a premature translational stop signal (p.Lys549Glnfs*3) in the PROM1 gene. It is expected to result in an absent or disrupted protein product. Loss-of-function variants in PROM1 are known to be pathogenic (PMID: 17605048, 19718270, 24154662, 25474345). This variant is not present in population databases (gnomAD no frequency). This premature translational stop signal has been observed in individual(s) with autosomal recessive retinitis pigmentosa (PMID: 25611614). ClinVar contains an entry for this variant (Variation ID: 1458832). For these reasons, this variant has been classified as Pathogenic.

Blueprint Genetics
Classification: Pathogenic for PROM1-related disorders. Last evaluated: 2021-10-07. Review status: criteria provided, single submitter. Criteria: ACMG Guidelines, 2015. Collection method: clinical testing. Allele origin: germline. Affected: yes. Observed: 1 variant allele.

Institute of Human Genetics, Univ. Regensburg, Univ. Regensburg
Classification: Pathogenic for Retinal dystrophy. Last evaluated: 2020-01-01. Review status: criteria provided, single submitter. Criteria: ACMG Guidelines, 2015. Collection method: clinical testing. Allele origin: germline. Affected: yes.

Literature cited by the submitters: PubMed 17605048 (cited by Labcorp Genetics (formerly Invitae), Labcorp); PubMed 19718270 (cited by Labcorp Genetics (formerly Invitae), Labcorp); PubMed 24154662 (cited by Labcorp Genetics (formerly Invitae), Labcorp); PubMed 25474345 (cited by Labcorp Genetics (formerly Invitae), Labcorp); PubMed 25611614 (cited by Labcorp Genetics (formerly Invitae), Labcorp and Institute of Human Genetics, Univ. Regensburg, Univ. Regensburg).